The following is an entry in ClinVar:

ClinVar aggregate classification (germline): Uncertain significance (1 of 4 stars; one submission).

gnomAD v4.1: 8 of 1,614,006 alleles (0.0005%); highest among the groups gnomAD compares: Non-Finnish European, 0.00068%; no homozygotes.

Submission:

Labcorp Genetics (formerly Invitae), Labcorp
Classification: Uncertain significance. Last evaluated: 2024-12-09. Review status: criteria provided, single submitter. Criteria: Invitae Variant Classification Sherloc (09022015). Collection method: clinical testing. Allele origin: germline.
Comment: This sequence change replaces phenylalanine, which is neutral and non-polar, with serine, which is neutral and polar, at codon 733 of the XPC protein (p.Phe733Ser). This variant is not present in population databases (gnomAD no frequency). This missense change has been observed in individual(s) with clinical features of XPC-related conditions (internal data). In at least one individual the data is consistent with being in trans (on the opposite chromosome) from a pathogenic variant. Invitae Evidence Modeling of protein sequence and biophysical properties (such as structural, functional, and spatial information, amino acid conservation, physicochemical variation, residue mobility, and thermodynamic stability) indicates that this missense variant is expected to disrupt XPC protein function with a positive predictive value of 80%. In summary, the available evidence is currently insufficient to determine the role of this variant in disease. Therefore, it has been classified as a Variant of Uncertain Significance.

NM_004628.5(XPC):c.2198T>C (p.Phe733Ser)

Gene: XPC (XPC complex subunit, DNA damage recognition and repair factor; minus strand). Cytogenetic location: 3p25.1.
Variant type: single nucleotide variant.
Coding change: c.2198T>C on transcript NM_004628.5 (MANE Select); coding-DNA position 2198, T replaced by C.
Protein change: p.Phe733Ser; replaces phenylalanine 733 with serine.
Molecular consequence: missense variant. On other transcripts: non-coding transcript variant (2).
Genome position (GRCh38, 1-based): chr3:14,148,866, A>G on the plus strand (T>C on the coding strand, the complement: XPC is on the minus strand). VCF-style: chr3-14148866-A-G. GRCh37 (hg19) VCF-style: chr3-14190366-A-G.
Other names: c.1619T>C, p.Phe540Ser (NM_001354726.2); c.2192T>C, p.Phe731Ser (NM_001354727.2); c.2180T>C, p.Phe727Ser (NM_001354729.2); c.1952T>C, p.Phe651Ser (NM_001354730.2); short protein forms F540S, F651S, F727S, F731S, F733S.
Identifiers: ClinVar variation 3627532 (VCV003627532.2).